The following is an entry in ClinVar:

ClinVar aggregate classification (germline): Uncertain significance. Review status: criteria provided, multiple submitters, no conflicts (2 of 4 stars). 2 submissions from 2 submitters: Uncertain significance (2). Last evaluated 2026-09-01.

gnomAD v4.1: 23 of 1,614,060 alleles (0.0014%); highest among the groups gnomAD compares: South Asian, 0.0022%; no homozygotes.

Submissions (2):

CeGaT Center for Human Genetics Tuebingen
Classification: Uncertain significance. Last evaluated: 2026-09-01. Review status: criteria provided, single submitter. Criteria: CeGaT Center For Human Genetics Tuebingen Variant Classification Criteria Version 2. Collection method: clinical testing. Allele origin: germline. Affected: yes. Observed: 1 variant allele.
Comment: ARHGEF10: PM2:Supporting, BP4

Labcorp Genetics (formerly Invitae), Labcorp
Classification: Uncertain significance. Last evaluated: 2026-01-09. Review status: criteria provided, single submitter. Criteria: Invitae Variant Classification Sherloc (09022015). Collection method: clinical testing. Allele origin: germline.
Comment: This sequence change replaces arginine, which is basic and polar, with cysteine, which is neutral and slightly polar, at codon 662 of the ARHGEF10 protein (p.Arg662Cys). This variant is present in population databases (rs149060376, gnomAD 0.004%). This variant has not been reported in the literature in individuals affected with ARHGEF10-related conditions. Invitae Evidence Modeling of protein sequence and biophysical properties (such as structural, functional, and spatial information, amino acid conservation, physicochemical variation, residue mobility, and thermodynamic stability) has been performed for this missense variant. However, the output from this modeling did not meet the statistical confidence thresholds required to predict the impact of this variant on ARHGEF10 protein function. In summary, the available evidence is currently insufficient to determine the role of this variant in disease. Therefore, it has been classified as a Variant of Uncertain Significance.

NM_014629.4(ARHGEF10):c.1984C>T (p.Arg662Cys)

Gene: ARHGEF10 (Rho guanine nucleotide exchange factor 10; plus strand). Cytogenetic location: 8p23.3.
Variant type: single nucleotide variant.
Coding change: c.1984C>T on transcript NM_014629.4 (MANE Select); coding-DNA position 1984, C replaced by T.
Protein change: p.Arg662Cys; replaces arginine 662 with cysteine.
Molecular consequence: missense variant.
Genome position (GRCh38, 1-based): chr8:1,909,311, C>T. VCF-style: chr8-1909311-C-T. GRCh37 (hg19) VCF-style: chr8-1857477-C-T.
Other names: c.1870C>T, p.Arg624Cys (NM_001308152.2, NM_001438094.1); c.1984C>T, p.Arg662Cys (NM_001308153.3); c.1987C>T, p.Arg663Cys (NM_001438091.1); c.1867C>T, p.Arg623Cys (NM_001438092.1, NM_001438093.1); short protein forms R663C, R662C, R686C, R623C, R624C.
Identifiers: ClinVar variation 4698430 (VCV004698430.2).